The following is an entry in ClinVar:

NM_032730.5(RTN4IP1):c.646G>A (p.Gly216Arg)

Gene: RTN4IP1 (reticulon 4 interacting protein 1; minus strand). Cytogenetic location: 6q21.
Variant type: single nucleotide variant.
Coding change: c.646G>A on transcript NM_032730.5 (MANE Select); coding-DNA position 646, G replaced by A.
Protein change: p.Gly216Arg; replaces glycine 216 with arginine.
Molecular consequence: missense variant.
Genome position (GRCh38, 1-based): chr6:106,602,897, C>T on the plus strand (G>A on the coding strand, the complement: RTN4IP1 is on the minus strand). VCF-style: chr6-106602897-C-T. GRCh37 (hg19) VCF-style: chr6-107050772-C-T.
Other names: c.346G>A, p.Gly116Arg (NM_001318746.1); short protein forms G116R, G216R.
Identifiers: ClinVar variation 1489361 (VCV001489361.7), dbSNP rs1304915034, ClinGen allele CA365159942.

ClinVar aggregate classification (germline): Pathogenic (1 of 4 stars; one submission).

Allele frequency attached by ClinVar (database versions not stated): TOPMed below 0.00001; gnomAD exomes 0.00001.
gnomAD v4.1: 11 of 1,604,162 alleles (0.00069%); highest among the groups gnomAD compares: East Asian, 0.0023%; no homozygotes.

Submission:

Labcorp Genetics (formerly Invitae), Labcorp
Classification: Pathogenic. Last evaluated: 2024-12-02. Review status: criteria provided, single submitter. Criteria: Invitae Variant Classification Sherloc (09022015). Collection method: clinical testing. Allele origin: germline.
Comment: This sequence change replaces glycine, which is neutral and non-polar, with arginine, which is basic and polar, at codon 216 of the RTN4IP1 protein (p.Gly216Arg). This variant is present in population databases (no rsID available, gnomAD 0.006%). This missense change has been observed in individual(s) with optic atrophy (PMID: 31077085, 33136666). In at least one individual the data is consistent with being in trans (on the opposite chromosome) from a pathogenic variant. It has also been observed to segregate with disease in related individuals. ClinVar contains an entry for this variant (Variation ID: 1489361). Invitae Evidence Modeling of protein sequence and biophysical properties (such as structural, functional, and spatial information, amino acid conservation, physicochemical variation, residue mobility, and thermodynamic stability) indicates that this missense variant is expected to disrupt RTN4IP1 protein function with a positive predictive value of 80%. Studies have shown that this missense change alters RTN4IP1 gene expression (PMID: 31077085). Algorithms developed to predict the effect of sequence changes on RNA splicing suggest that this variant may disrupt the consensus splice site. For these reasons, this variant has been classified as Pathogenic.

Literature cited by the submitters: PubMed 31077085; PubMed 33136666.